The following is an entry in ClinVar:

ClinVar aggregate classification (germline): Uncertain significance (1 of 4 stars; one submission).

Submission:

Ambry Genetics
Classification: Uncertain significance. Last evaluated: 2025-01-17. Review status: criteria provided, single submitter. Criteria: Ambry Variant Classification Scheme 2023. Collection method: clinical testing. Allele origin: germline.
Comment: The p.K1117R variant (also known as c.3350A>G), located in coding exon 1 of the TET2 gene, results from an A to G substitution at nucleotide position 3350. The lysine at codon 1117 is replaced by arginine, an amino acid with highly similar properties. This amino acid position is conserved. In addition, this alteration is predicted to be tolerated by in silico analysis. Based on the available evidence, the clinical significance of this variant remains unclear.

NM_001127208.3(TET2):c.3350A>G (p.Lys1117Arg)

Genes: TET2 (tet methylcytosine dioxygenase 2; plus strand), TET2-AS1 (TET2 antisense RNA 1; minus strand). Cytogenetic location: 4q24.
Variant type: single nucleotide variant.
Coding change: c.3350A>G on transcript NM_001127208.3 (MANE Select); coding-DNA position 3350, A replaced by G.
Protein change: p.Lys1117Arg; replaces lysine 1117 with arginine.
Molecular consequence: missense variant.
Genome position (GRCh38, 1-based): chr4:105,237,292, A>G. VCF-style: chr4-105237292-A-G. GRCh37 (hg19) VCF-style: chr4-106158449-A-G.
Other names: c.3350A>G, p.Lys1117Arg (NM_017628.4); short protein forms K1117R.
Identifiers: ClinVar variation 3805975 (VCV003805975.1).